The following is an entry in ClinVar:

NM_025114.4(CEP290):c.3148A>C (p.Ser1050Arg)

Gene: CEP290 (centrosomal protein 290; minus strand). Cytogenetic location: 12q21.32.
Variant type: single nucleotide variant.
Coding change: c.3148A>C on transcript NM_025114.4 (MANE Select); coding-DNA position 3148, A replaced by C.
Protein change: p.Ser1050Arg; replaces serine 1050 with arginine.
Molecular consequence: missense variant.
Genome position (GRCh38, 1-based): chr12:88,093,931, T>G on the plus strand (A>C on the coding strand, the complement: CEP290 is on the minus strand). VCF-style: chr12-88093931-T-G. GRCh37 (hg19) VCF-style: chr12-88487708-T-G.
Other names: short protein forms S1050R.
Identifiers: ClinVar variation 1398976 (VCV001398976.5), dbSNP rs1240996430, ClinGen allele CA386006446.
Genomic context (GRCh38, chr12:88,093,931, plus strand): 5'-TTTCATTTAATTCCTTCATTTCCAGCATAGTTATTTTTTTTGAAATGGAAACAATGTCAC[T>G]GTTGGTTATTGATTTCTTTGCCTTATCCATGCTAGATTCATTACCTACATGCAATAATAT-3'
Protein context (NP_079390.3, residues 1040-1060): MDKAKKSITN[Ser1050Arg]DIVSISKKIT

ClinVar aggregate classification (germline): Uncertain significance (1 of 4 stars; one submission).

Conditions:
Joubert syndrome. Also called: CEREBELLOPARENCHYMAL DISORDER IV; JOUBERT-BOLTSHAUSER SYNDROME; Familial aplasia of the vermis. Identifiers: Orphanet 475, MedGen C5979921, MONDO:0018772.
Nephronophthisis. Also called: Juvenile Nephronophthisis. Identifiers: Orphanet 655, MedGen C0687120, MONDO:0019005, HP:0000090.
Meckel-Gruber syndrome. Also called: DYSENCEPHALIA SPLANCHNOCYSTICA; GRUBER SYNDROME; Dysencephalia splachnocystica. Identifiers: Orphanet 564, MedGen C0265215, MONDO:0018921.

Allele frequency attached by ClinVar (database versions not stated): gnomAD exomes below 0.00001; gnomAD 0.00001.
gnomAD v4.1: 1 of 1,612,208 alleles (0.000062%); highest among the groups gnomAD compares: South Asian, 0.0011%; no homozygotes.

Submission:

Labcorp Genetics (formerly Invitae), Labcorp
Classification: Uncertain significance for Joubert syndrome; Meckel-Gruber syndrome; Nephronophthisis. Last evaluated: 2022-07-05. Review status: criteria provided, single submitter. Criteria: Invitae Variant Classification Sherloc (09022015). Collection method: clinical testing. Allele origin: germline.
Comment: This sequence change replaces serine, which is neutral and polar, with arginine, which is basic and polar, at codon 1050 of the CEP290 protein (p.Ser1050Arg). This variant is present in population databases (no rsID available, gnomAD 0.0009%). This variant has not been reported in the literature in individuals affected with CEP290-related conditions. ClinVar contains an entry for this variant (Variation ID: 1398976). Algorithms developed to predict the effect of missense changes on protein structure and function are either unavailable or do not agree on the potential impact of this missense change (SIFT: "Deleterious"; PolyPhen-2: "Possibly Damaging"; Align-GVGD: "Class C0"). In summary, the available evidence is currently insufficient to determine the role of this variant in disease. Therefore, it has been classified as a Variant of Uncertain Significance.